The following is an entry in ClinVar:

NM_024675.4(PALB2):c.58A>T (p.Lys20Ter)

Gene: PALB2 (partner and localizer of BRCA2; minus strand). Cytogenetic location: 16p12.2.
Variant type: single nucleotide variant.
Coding change: c.58A>T on transcript NM_024675.4 (MANE Select); coding-DNA position 58, A replaced by T.
Protein change: p.Lys20Ter; replaces lysine 20 with a stop codon.
Molecular consequence: nonsense.
Genome position (GRCh38, 1-based): chr16:23,638,120, T>A on the plus strand (A>T on the coding strand, the complement: PALB2 is on the minus strand). VCF-style: chr16-23638120-T-A. GRCh37 (hg19) VCF-style: chr16-23649441-T-A.
Other names: short protein forms K20*.
Identifiers: ClinVar variation 1677249 (VCV001677249.4), dbSNP rs2142461082, ClinGen allele CA395139930.
Genomic context (GRCh38, chr16:23,638,120, plus strand): 5'-ATTCACTTACCTGAAGGCGGGCTAGTGTCTTGCTGTATTCCCTTTTCAAGAATGCTAATT[T>A]CTCCTTTAACTGGAAGAAGAAAAACACCAACAATACTGGGCAAGTGGAAAGGTGGAGTCA-3'

ClinVar aggregate classification (germline): Pathogenic/Likely pathogenic. Review status: criteria provided, multiple submitters, no conflicts (2 of 4 stars). 2 submissions from 2 submitters: Pathogenic (1); Likely pathogenic (1). Last evaluated 2023-09-05.

Conditions:
Familial cancer of breast. Also called: Hereditary breast cancer; BREAST CANCER, FAMILIAL; hereditary breast carcinoma. Identifiers: Orphanet 227535, MedGen C0346153, MONDO:0016419, OMIM 114480. Disease mechanism: loss of function.

Submissions (2):

Myriad Genetics, Inc.
Classification: Pathogenic for Familial cancer of breast. Last evaluated: 2023-09-05. Review status: criteria provided, single submitter. Criteria: Myriad Autosomal Dominant, Autosomal Recessive and X-Linked Classification Criteria (2023). Collection method: clinical testing. Allele origin: unknown.
Comment: This variant is considered pathogenic. This variant creates a termination codon and is predicted to result in premature protein truncation.

Gemeinschaftspraxis fuer Humangenetik Dresden
Classification: Likely pathogenic for Familial cancer of breast. Last evaluated: 2021-10-14. Review status: criteria provided, single submitter. Criteria: ACMG Guidelines, 2015. Collection method: clinical testing. Allele origin: germline. Inheritance: Autosomal dominant inheritance. Affected: yes. Observed: 1 heterozygote.
Comment: This mutation c.58A>T, p.(Lys20*) is not reported in HGMD 2021.4, gnomAD (v2.1.1), dbSNP (v151) or LOVD. ACMG: PVS1, PM2